The following is an entry in ClinVar:

ClinVar aggregate classification (germline): Uncertain significance. Review status: criteria provided, multiple submitters, no conflicts (2 of 4 stars). 3 submissions from 3 submitters: Uncertain significance (3). Last evaluated 2024-03-11.

Conditions:
Cardiovascular phenotype. Identifiers: MedGen CN230736.
Arrhythmogenic cardiomyopathy with wooly hair and keratoderma. Also called: Dilated cardiomyopathy with woolly hair and keratoderma; Carvajal syndrome; Arrhythmogenic cardiomyopathy with woolly hair and keratoderma; PALMOPLANTAR KERATODERMA WITH LEFT VENTRICULAR CARDIOMYOPATHY AND WOOLLY HAIR. Identifiers: Orphanet 65282, MedGen C1854063, MONDO:0011581, OMIM 605676.
Arrhythmogenic right ventricular dysplasia 8 (ARVD8). Also called: ARRHYTHMOGENIC RIGHT VENTRICULAR DYSPLASIA, FAMILIAL, 8; ARRHYTHMOGENIC RIGHT VENTRICULAR CARDIOMYOPATHY 8; Arrhythmogenic Right Ventricular Dysplasia/Cardiomyopathy 8. Identifiers: MedGen C1843896, MONDO:0011831, OMIM 607450.

Allele frequency attached by ClinVar (database versions not stated): gnomAD 0.00001; TOPMed 0.00002.
gnomAD v4.1: 2 of 1,614,026 alleles (0.00012%); highest among the groups gnomAD compares: Admixed American, 0.0017%; no homozygotes.

Submissions (3):

Ambry Genetics
Classification: Uncertain significance for Cardiovascular phenotype. Last evaluated: 2024-03-11. Review status: criteria provided, single submitter. Criteria: Ambry Variant Classification Scheme 2023. Collection method: clinical testing. Allele origin: germline.
Comment: The p.Q1667K variant (also known as c.4999C>A), located in coding exon 23 of the DSP gene, results from a C to A substitution at nucleotide position 4999. The glutamine at codon 1667 is replaced by lysine, an amino acid with similar properties. This amino acid position is conserved. In addition, this alteration is predicted to be tolerated by in silico analysis. Based on the available evidence, the clinical significance of this alteration remains unclear.

Labcorp Genetics (formerly Invitae), Labcorp
Classification: Uncertain significance for Arrhythmogenic cardiomyopathy with wooly hair and keratoderma; Arrhythmogenic right ventricular dysplasia 8. Last evaluated: 2023-06-17. Review status: criteria provided, single submitter. Criteria: Invitae Variant Classification Sherloc (09022015). Collection method: clinical testing. Allele origin: germline.
Comment: This sequence change replaces glutamine, which is neutral and polar, with lysine, which is basic and polar, at codon 1667 of the DSP protein (p.Gln1667Lys). This variant is not present in population databases (gnomAD no frequency). In summary, the available evidence is currently insufficient to determine the role of this variant in disease. Therefore, it has been classified as a Variant of Uncertain Significance. An algorithm developed to predict the effect of missense changes on protein structure and function (PolyPhen-2) suggests that this variant is likely to be disruptive. This variant has not been reported in the literature in individuals affected with DSP-related conditions.

Blueprint Genetics
Classification: Uncertain significance. Last evaluated: 2022-11-28. Review status: criteria provided, single submitter. Criteria: ACMG Guidelines, 2015. Collection method: clinical testing. Allele origin: germline.

NM_004415.4(DSP):c.4999C>A (p.Gln1667Lys)

Gene: DSP (desmoplakin; plus strand). Cytogenetic location: 6p24.3.
Variant type: single nucleotide variant.
Coding change: c.4999C>A on transcript NM_004415.4 (MANE Select); coding-DNA position 4999, C replaced by A.
Protein change: p.Gln1667Lys; replaces glutamine 1667 with lysine.
Molecular consequence: missense variant. On other transcripts: intron variant (2).
Genome position (GRCh38, 1-based): chr6:7,581,189, C>A. VCF-style: chr6-7581189-C-A. GRCh37 (hg19) VCF-style: chr6-7581422-C-A.
Other names: c.4050+949C>A (NM_001319034.2); c.3582+1417C>A (NM_001008844.3); short protein forms Q1667K.
Identifiers: ClinVar variation 2928058 (VCV002928058.5), dbSNP rs1554108431, ClinGen allele CA362687615.